The following is an entry in ClinVar:

NM_001286611.2(REPS1):c.2198C>T (p.Ser733Leu)

Gene: REPS1 (RALBP1 associated Eps domain containing 1; minus strand). Cytogenetic location: 6q24.1.
Variant type: single nucleotide variant.
Coding change: c.2198C>T on transcript NM_001286611.2 (MANE Select); coding-DNA position 2198, C replaced by T.
Protein change: p.Ser733Leu; replaces serine 733 with leucine.
Molecular consequence: missense variant.
Genome position (GRCh38, 1-based): chr6:138,908,686, G>A on the plus strand (C>T on the coding strand, the complement: REPS1 is on the minus strand). VCF-style: chr6-138908686-G-A. GRCh37 (hg19) VCF-style: chr6-139229823-G-A.
Other names: c.2117C>T, p.Ser706Leu (NM_001128617.3); c.1925C>T, p.Ser642Leu (NM_001286612.2); c.2195C>T, p.Ser732Leu (NM_031922.5); c.2195C>T (NM_031922.3); short protein forms S706L, S733L, S642L, S732L.
Identifiers: ClinVar variation 1493148 (VCV001493148.7), dbSNP rs767022763, ClinGen allele CA4023929.

ClinVar aggregate classification (germline): Uncertain significance. Review status: criteria provided, multiple submitters, no conflicts (2 of 4 stars). 2 submissions from 2 submitters: Uncertain significance (2). Last evaluated 2024-12-09.

Allele frequency attached by ClinVar (database versions not stated): gnomAD exomes 0.00002 and 0.00004; ExAC 0.00005.
gnomAD v4.1: 10 of 1,614,158 alleles (0.00062%); highest among the groups gnomAD compares: Admixed American, 0.017%; no homozygotes.

Submissions (2):

Labcorp Genetics (formerly Invitae), Labcorp
Classification: Uncertain significance. Last evaluated: 2024-12-09. Review status: criteria provided, single submitter. Criteria: Invitae Variant Classification Sherloc (09022015). Collection method: clinical testing. Allele origin: germline.
Comment: This sequence change replaces serine, which is neutral and polar, with leucine, which is neutral and non-polar, at codon 733 of the REPS1 protein (p.Ser733Leu). This variant is present in population databases (rs767022763, gnomAD 0.03%). This variant has not been reported in the literature in individuals affected with REPS1-related conditions. ClinVar contains an entry for this variant (Variation ID: 1493148). Invitae Evidence Modeling of protein sequence and biophysical properties (such as structural, functional, and spatial information, amino acid conservation, physicochemical variation, residue mobility, and thermodynamic stability) indicates that this missense variant is not expected to disrupt REPS1 protein function with a negative predictive value of 80%. In summary, the available evidence is currently insufficient to determine the role of this variant in disease. Therefore, it has been classified as a Variant of Uncertain Significance.

Ambry Genetics
Classification: Uncertain significance. Last evaluated: 2024-10-01. Review status: criteria provided, single submitter. Criteria: Ambry Variant Classification Scheme 2023. Collection method: clinical testing. Allele origin: germline.